The following is an entry in ClinVar:

ClinVar aggregate classification (germline): Uncertain significance (1 of 4 stars; one submission).

Conditions:
Hereditary cancer-predisposing syndrome. Also called: Neoplastic Syndromes, Hereditary; Tumor predisposition; Hereditary Cancer Syndrome; Hereditary neoplastic syndrome. Identifiers: Orphanet 140162, MedGen C0027672, MeSH D009386, MONDO:0015356.

gnomAD v4.1: 1 of 1,613,976 alleles (0.000062%); highest among the groups gnomAD compares: Non-Finnish European, 0.000085%; no homozygotes.

Submission:

Ambry Genetics
Classification: Uncertain significance for Hereditary cancer-predisposing syndrome. Last evaluated: 2025-12-20. Review status: criteria provided, single submitter. Criteria: Ambry Variant Classification Scheme 2023. Collection method: clinical testing. Allele origin: germline.
Comment: The p.T710I variant (also known as c.2129C>T), located in coding exon 8 of the BLM gene, results from a C to T substitution at nucleotide position 2129. The threonine at codon 710 is replaced by isoleucine, an amino acid with similar properties. This amino acid position is conserved. In addition, the in silico prediction for this alteration is inconclusive. Based on the available evidence, the clinical significance of this variant remains unclear.

NM_000057.4(BLM):c.2129C>T (p.Thr710Ile)

Gene: BLM (BLM RecQ like helicase; plus strand). Cytogenetic location: 15q26.1.
Variant type: single nucleotide variant.
Coding change: c.2129C>T on transcript NM_000057.4 (MANE Select); coding-DNA position 2129, C replaced by T.
Protein change: p.Thr710Ile; replaces threonine 710 with isoleucine.
Molecular consequence: missense variant.
Genome position (GRCh38, 1-based): chr15:90,765,350, C>T. VCF-style: chr15-90765350-C-T. GRCh37 (hg19) VCF-style: chr15-91308580-C-T.
Other names: c.2129C>T, p.Thr710Ile (NM_001287246.2, NM_001287247.2); c.1004C>T, p.Thr335Ile (NM_001287248.2); short protein forms T335I, T710I.
Identifiers: ClinVar variation 4843388 (VCV004843388.1).